The following is an entry in ClinVar:

NM_000719.7(CACNA1C):c.2663+17G>A

Gene: CACNA1C (calcium voltage-gated channel subunit alpha1 C; plus strand). Cytogenetic location: 12p13.33.
Variant type: single nucleotide variant.
Coding change: c.2663+17G>A on transcript NM_000719.7 (MANE Select); 17 bases into the intron after coding-DNA position 2663, G replaced by A.
Molecular consequence: intron variant.
Genome position (GRCh38, 1-based): chr12:2,593,362, G>A. VCF-style: chr12-2593362-G-A. GRCh37 (hg19) VCF-style: chr12-2702528-G-A.
Other names: c.2663+17G>A (NM_001129842.2, NM_001129829.2, NM_001129834.2 and 18 more transcripts); c.2654+17G>A (NM_001129844.2).
Identifiers: ClinVar variation 4745632 (VCV004745632.1).

ClinVar aggregate classification (germline): Uncertain significance (1 of 4 stars; one submission).

Conditions:
Long QT syndrome (LQTS). Identifiers: MedGen C0023976, MeSH D008133, MONDO:0002442. Disease mechanism: loss of function. Inheritance: Various modes of inheritance.

gnomAD v4.1: 1 of 1,613,050 alleles (0.000062%); highest among the groups gnomAD compares: Non-Finnish European, 0.000085%; no homozygotes.

Submission:

Labcorp Genetics (formerly Invitae), Labcorp
Classification: Uncertain significance for Long QT syndrome. Last evaluated: 2025-03-12. Review status: criteria provided, single submitter. Criteria: Invitae Variant Classification Sherloc (09022015). Collection method: clinical testing. Allele origin: germline.
Comment: This sequence change falls in intron 19 of the CACNA1C gene. It does not directly change the encoded amino acid sequence of the CACNA1C protein. This variant is not present in population databases (gnomAD no frequency). This variant has not been reported in the literature in individuals affected with CACNA1C-related conditions. Algorithms developed to predict the effect of sequence changes on RNA splicing suggest that this variant may create or strengthen a splice site. In summary, the available evidence is currently insufficient to determine the role of this variant in disease. Therefore, it has been classified as a Variant of Uncertain Significance.